The following is an entry in ClinVar:

ClinVar aggregate classification (germline): Uncertain significance (1 of 4 stars; one submission).

gnomAD v4.1: 4 of 1,614,006 alleles (0.00025%); highest among the groups gnomAD compares: Non-Finnish European, 0.00034%; no homozygotes.

Submission:

Labcorp Genetics (formerly Invitae), Labcorp
Classification: Uncertain significance. Last evaluated: 2022-03-13. Review status: criteria provided, single submitter. Criteria: Invitae Variant Classification Sherloc (09022015). Collection method: clinical testing. Allele origin: germline.
Comment: In summary, the available evidence is currently insufficient to determine the role of this variant in disease. Therefore, it has been classified as a Variant of Uncertain Significance. Algorithms developed to predict the effect of missense changes on protein structure and function (SIFT, PolyPhen-2, Align-GVGD) all suggest that this variant is likely to be tolerated. This variant has not been reported in the literature in individuals affected with SH3PXD2B-related conditions. This variant is present in population databases (no rsID available, gnomAD 0.0009%). This sequence change replaces threonine, which is neutral and polar, with serine, which is neutral and polar, at codon 630 of the SH3PXD2B protein (p.Thr630Ser).

NM_001017995.3(SH3PXD2B):c.1888A>T (p.Thr630Ser)

Gene: SH3PXD2B (SH3 and PX domains 2B; minus strand). Cytogenetic location: 5q35.1.
Variant type: single nucleotide variant.
Coding change: c.1888A>T on transcript NM_001017995.3 (MANE Select); coding-DNA position 1888, A replaced by T.
Protein change: p.Thr630Ser; replaces threonine 630 with serine.
Molecular consequence: missense variant. On other transcripts: intron variant (1).
Genome position (GRCh38, 1-based): chr5:172,339,217, T>A on the plus strand (A>T on the coding strand, the complement: SH3PXD2B is on the minus strand). VCF-style: chr5-172339217-T-A. GRCh37 (hg19) VCF-style: chr5-171766221-T-A.
Other names: c.1188+6919A>T (NM_001308175.2); short protein forms T630S.
Identifiers: ClinVar variation 1931426 (VCV001931426.5), dbSNP rs552297069, ClinGen allele CA362146931.